The following is an entry in ClinVar:

ClinVar aggregate classification (germline): Pathogenic (1 of 4 stars; one submission).

Conditions:
Spondylodysplastic Ehlers-Danlos syndrome. Identifiers: Orphanet 536471, Orphanet 75496, MedGen C5680154, MONDO:0007526.

Submission:

Labcorp Genetics (formerly Invitae), Labcorp
Classification: Pathogenic for Spondylodysplastic Ehlers-Danlos syndrome. Last evaluated: 2025-09-04. Review status: criteria provided, single submitter. Criteria: Invitae Variant Classification Sherloc (09022015). Collection method: clinical testing. Allele origin: germline.
Comment: This sequence change creates a premature translational stop signal (p.Glu78Argfs*5) in the B4GALT7 gene. It is expected to result in an absent or disrupted protein product. Loss-of-function variants in B4GALT7 are known to be pathogenic (PMID: 26940150, 31614862, 38431799). The frequency data for this variant in the population databases is considered unreliable, as metrics indicate poor data quality at this position in the gnomAD database. This variant has not been reported in the literature in individuals affected with B4GALT7-related conditions. For these reasons, this variant has been classified as Pathogenic.

Literature cited by the submitters: PubMed 26940150; PubMed 31614862; PubMed 38431799.

NM_007255.3(B4GALT7):c.230dup (p.Glu78fs)

Gene: B4GALT7 (beta-1,4-galactosyltransferase 7; plus strand). Cytogenetic location: 5q35.3.
Variant type: Duplication.
Coding change: c.230dup on transcript NM_007255.3 (MANE Select); coding-DNA position 230, one base duplicated (C; older notation c.230dupC).
Protein change: p.Glu78fs; shifts the reading frame from glutamic acid 78.
Molecular consequence: frameshift variant.
Genome position (GRCh38, 1-based): chr5:177,604,358, C duplicated; the last of 6 consecutive C bases (chr5:177,604,353-177,604,358); duplicating any one gives the same sequence. VCF-style (leftmost placement, unchanged base first): chr5-177604352-G-GC. GRCh37 (hg19) VCF-style: chr5-177031353-G-GC.
Other names: short protein forms E78fs.
Identifiers: ClinVar variation 4769041 (VCV004769041.1).